The following is an entry in ClinVar:

NM_000156.6(GAMT):c.17C>T (p.Ala6Val)

Genes: GAMT (guanidinoacetate N-methyltransferase; minus strand), LOC130062945 (ATAC-STARR-seq lymphoblastoid silent region 9707; plus strand). Cytogenetic location: 19p13.3.
Variant type: single nucleotide variant.
Coding change: c.17C>T on transcript NM_000156.6 (MANE Select); coding-DNA position 17, C replaced by T.
Protein change: p.Ala6Val; replaces alanine 6 with valine.
Molecular consequence: missense variant.
Genome position (GRCh38, 1-based): chr19:1,401,460, G>A on the plus strand (C>T on the coding strand, the complement: GAMT is on the minus strand). VCF-style: chr19-1401460-G-A. GRCh37 (hg19) VCF-style: chr19-1401459-G-A.
Other names: p.A6V:GCG>GTG; c.17C>T, p.Ala6Val (NM_138924.3); c.17C>T (NM_000156.5); short protein forms A6V.
Identifiers: ClinVar variation 205597 (VCV000205597.6), dbSNP rs796052529, ClinGen allele CA314838.
Genomic context (GRCh38, chr19:1,401,460, plus strand): 5'-GCCGCGGGCGCCGCCCCCCACGCGGGGCTGCAGTTCTCGCCGGGCGCGAAGATGGGGGTC[G>A]CGCTGGGGGCGCTCATGCTGCAGGCTGGACGGCGACCCGACCTCGATCGCGCGCCGCCCG-3'
Protein context (NP_000147.1, residues 1-16): MSAPS[Ala6Val]TPIFAPGENC

ClinVar aggregate classification (germline): Uncertain significance. Review status: criteria provided, multiple submitters, no conflicts (2 of 4 stars). 4 submissions from 4 submitters: Uncertain significance (3). 1 of the submissions does not count toward it. Last evaluated 2023-05-23.

Conditions:
Deficiency of guanidinoacetate methyltransferase (CCDS2). Also called: GAMT DEFICIENCY; Guanidinoacetate Methyltransferase (GAMT) Deficiency; CEREBRAL CREATINE DEFICIENCY SYNDROME 2. Identifiers: Orphanet 382, MedGen C0574080, MONDO:0012999, OMIM 612736.
Inborn genetic diseases. Identifiers: MedGen C0950123, MeSH D030342.
Cerebral creatine deficiency syndrome. Also called: Creatine deficiency syndromes. Identifiers: Orphanet 79172, MedGen C5244016, MONDO:0000456.

Allele frequency attached by ClinVar (database versions not stated): TOPMed 0.00002.
gnomAD v4.1: 7 of 1,374,278 alleles (0.00051%); highest among the groups gnomAD compares: East Asian, 0.0031%; 1 homozygote.

Submissions (4):

Ambry Genetics
Classification: Uncertain significance for Inborn genetic diseases. Last evaluated: 2023-05-23. Review status: criteria provided, single submitter. Criteria: Ambry Variant Classification Scheme 2023. Collection method: clinical testing. Allele origin: germline.

Labcorp Genetics (formerly Invitae), Labcorp
Classification: Uncertain significance for Cerebral creatine deficiency syndrome. Last evaluated: 2022-05-07. Review status: criteria provided, single submitter. Criteria: Invitae Variant Classification Sherloc (09022015). Collection method: clinical testing. Allele origin: germline.
Comment: This sequence change replaces alanine, which is neutral and non-polar, with valine, which is neutral and non-polar, at codon 6 of the GAMT protein (p.Ala6Val). This variant is not present in population databases (gnomAD no frequency). This variant has not been reported in the literature in individuals affected with GAMT-related conditions. ClinVar contains an entry for this variant (Variation ID: 205597). Algorithms developed to predict the effect of missense changes on protein structure and function are either unavailable or do not agree on the potential impact of this missense change (SIFT: "Deleterious"; PolyPhen-2: "Benign"; Align-GVGD: "Class C0"). In summary, the available evidence is currently insufficient to determine the role of this variant in disease. Therefore, it has been classified as a Variant of Uncertain Significance.

GeneDx
Classification: Uncertain significance. Last evaluated: 2014-02-07. Review status: criteria provided, single submitter. Criteria: GeneDx Variant Classification (06012015). Collection method: clinical testing. Allele origin: germline. Affected: yes.
Comment: p.Ala6Val (GCG>GTG): c.17 C>T in exon 1 of the GAMT gene (NM_000156.4) The Ala6Val missense change in the GAMT gene has not been published as a mutation, nor has it been reported as a benign polymorphism to our knowledge. It was not observed in approximately 3,900 individuals of European and African American ancestry in the NHLBI Exome Sequencing Project, indicating it is not a common benign variant in these populations. The amino acid substitution is conservative, as Alanine and Valine are both uncharged, non-polar amino acids. However, it alters a conserved position in the protein. In silico analysis is inconsistent with regard to the effect this variant may have on the protein structure/function. Therefore, based on the currently available information, it is unclear whether Ala6Val is a disease-causing mutation or a rare benign variant. The variant is found in CHILD-EPI,EPILEPSY panel(s).

Natera, Inc.
Classification: Uncertain significance for Guanidinoacetate methyltransferase deficiency. Last evaluated: 2020-03-07. Review status: no assertion criteria provided. Collection method: clinical testing. Allele origin: germline. Not counted in ClinVar's aggregate classification.